The following is an entry in ClinVar:

ClinVar aggregate classification (germline): Benign/Likely benign. Review status: criteria provided, multiple submitters, no conflicts (2 of 4 stars). 7 submissions from 7 submitters: Benign (5); Likely benign (2). Last evaluated 2026-01-24.

Conditions:
Autosomal recessive nonsyndromic hearing loss 35. Identifiers: Orphanet 90636, MedGen C1837857, MONDO:0012060, OMIM 608565.

Allele frequency attached by ClinVar (database versions not stated): gnomAD exomes 0.00410; ExAC 0.00514; 1000 Genomes Project 0.01298; 1000 Genomes Project 30x 0.01593; gnomAD 0.01800; ESP Exome Variant Server 0.01864; TOPMed 0.01946.
gnomAD v4.1: 5,101 of 1,612,540 alleles (0.32%); highest among the groups gnomAD compares: African/African-American, 6.1%; 144 homozygotes.

Submissions (7):

Labcorp Genetics (formerly Invitae), Labcorp
Classification: Benign. Last evaluated: 2026-01-24. Review status: criteria provided, single submitter. Criteria: Invitae Variant Classification Sherloc (09022015). Collection method: clinical testing. Allele origin: germline.

Athena Diagnostics
Classification: Benign. Last evaluated: 2018-05-24. Review status: criteria provided, single submitter. Criteria: Athena Diagnostics Criteria. Collection method: clinical testing. Allele origin: germline.

GeneDx
Classification: Benign. Last evaluated: 2018-01-18. Review status: criteria provided, single submitter. Criteria: GeneDx Variant Classification (06012015). Collection method: clinical testing. Allele origin: germline. Affected: yes.
Comment: This variant is considered likely benign or benign based on one or more of the following criteria: it is a conservative change, it occurs at a poorly conserved position in the protein, it is predicted to be benign by multiple in silico algorithms, and/or has population frequency not consistent with disease.

Illumina Laboratory Services, Illumina
Classification: Likely benign for Autosomal recessive nonsyndromic hearing loss 35. Last evaluated: 2018-01-13. Review status: criteria provided, single submitter. Criteria: ICSL Variant Classification Criteria 13 December 2019. Collection method: clinical testing. Allele origin: germline.
Comment: This variant was observed in the ICSL laboratory as part of a predisposition screen in an ostensibly healthy population. It had not been previously curated by ICSL or reported in the Human Gene Mutation Database (HGMD: prior to June 1st, 2018), and was therefore a candidate for classification through an automated scoring system. Utilizing variant allele frequency, disease prevalence and penetrance estimates, and inheritance mode, an automated score was calculated to assess if this variant is too frequent to cause the disease. Based on the score and internal cut-off values, a variant classified as likely benign is not then subjected to further curation. The score for this variant resulted in a classification of likely benign for this disease.

Laboratory for Molecular Medicine, Mass General Brigham Personalized Medicine
Classification: Benign. Last evaluated: 2012-05-07. Review status: criteria provided, single submitter. Criteria: LMM Criteria. Collection method: clinical testing. Allele origin: germline. Observed: 14 variant alleles.
Comment: "Leu47Leu in Exon 04 of ESRRB: This variant is not expected to have clinical sig nificance because it does not alter an amino acid residue, is not located within the splice consensus sequence, and has been identified in 5.5% (204/3728) of Af rican American chromosomes from a broad population by the NHLBI Exome Sequencing Project (dbSNP rs61744548)."

Breakthrough Genomics
Classification: Likely benign. Review status: criteria provided, single submitter. Criteria: ACMG Guidelines, 2015. Collection method: not provided. Allele origin: germline. Inheritance: Autosomal recessive inheritance. Affected: yes.

PreventionGenetics, part of Exact Sciences
Classification: Benign. Review status: criteria provided, single submitter. Criteria: ACMG Guidelines, 2015. Collection method: clinical testing. Allele origin: germline.

NM_001379180.1(ESRRB):c.204G>C (p.Leu68=)

Gene: ESRRB (estrogen related receptor beta; plus strand). Cytogenetic location: 14q24.3.
Variant type: single nucleotide variant.
Coding change: c.204G>C on transcript NM_001379180.1 (MANE Select); coding-DNA position 204, G replaced by C.
Protein change: p.Leu68=; no amino-acid change (leucine 68 retained).
Molecular consequence: synonymous variant.
Genome position (GRCh38, 1-based): chr14:76,439,494, G>C. VCF-style: chr14-76439494-G-C. GRCh37 (hg19) VCF-style: chr14-76905837-G-C.
Other names: c.141G>C, p.Leu47= (NM_004452.4).
Identifiers: ClinVar variation 44998 (VCV000044998.19), dbSNP rs61744548, ClinGen allele CA135415.